The following is an entry in ClinVar:

ClinVar aggregate classification (germline): Likely benign. Review status: criteria provided, single submitter (1 of 4 stars). 2 submissions from 2 submitters: Likely benign (1). 1 of the submissions does not count toward it. Last evaluated 2025-01-06.

Conditions:
NIPBL-related disorder. Also called: NIPBL-related condition.
Cornelia de Lange syndrome 1 (CDLS1). Also called: TYPUS DEGENERATIVUS AMSTELODAMENSIS; NIPBL-Related Cornelia de Lange Syndrome; Brachmann de Lange syndrome. Identifiers: Orphanet 199, MedGen C4551851, MONDO:0007387, OMIM 122470.

Allele frequency attached by ClinVar (database versions not stated): ExAC 0.00002; gnomAD exomes 0.00002; TOPMed 0.00002; gnomAD 0.00003.
gnomAD v4.1: 32 of 1,613,946 alleles (0.002%); highest among the groups gnomAD compares: East Asian, 0.0045%; no homozygotes.

Submissions (2):

Labcorp Genetics (formerly Invitae), Labcorp
Classification: Likely benign for Cornelia de Lange syndrome 1. Last evaluated: 2025-01-06. Review status: criteria provided, single submitter. Criteria: Invitae Variant Classification Sherloc (09022015). Collection method: clinical testing. Allele origin: germline.

PreventionGenetics, part of Exact Sciences
Classification: Likely benign for NIPBL-related condition. Last evaluated: 2020-01-07. Review status: no assertion criteria provided. Collection method: clinical testing. Allele origin: germline. Not counted in ClinVar's aggregate classification.
Comment: This variant is classified as likely benign based on ACMG/AMP sequence variant interpretation guidelines (Richards et al. 2015 PMID: 25741868, with internal and published modifications).

NM_133433.4(NIPBL):c.7155C>T (p.Asp2385=)

Gene: NIPBL (NIPBL cohesin loading factor; plus strand). Cytogenetic location: 5p13.2.
Variant type: single nucleotide variant.
Coding change: c.7155C>T on transcript NM_133433.4 (MANE Select); coding-DNA position 7155, C replaced by T.
Protein change: p.Asp2385=; no amino-acid change (aspartic acid 2385 retained).
Molecular consequence: synonymous variant.
Genome position (GRCh38, 1-based): chr5:37,052,458, C>T. VCF-style: chr5-37052458-C-T. GRCh37 (hg19) VCF-style: chr5-37052560-C-T.
Other names: c.7155C>T, p.Asp2385= (NM_015384.5); c.7155C>T (NM_133433.3).
Identifiers: ClinVar variation 2193952 (VCV002193952.6), dbSNP rs772030142, ClinGen allele CA3237148.